The following is an entry in ClinVar:

NM_014112.5(TRPS1):c.2907G>C (p.Glu969Asp)

Gene: TRPS1 (transcriptional repressor GATA binding 1; minus strand). Cytogenetic location: 8q23.3.
Variant type: single nucleotide variant.
Coding change: c.2907G>C on transcript NM_014112.5 (MANE Select); coding-DNA position 2907, G replaced by C.
Protein change: p.Glu969Asp; replaces glutamic acid 969 with aspartic acid.
Molecular consequence: missense variant.
Genome position (GRCh38, 1-based): chr8:115,415,001, C>G on the plus strand (G>C on the coding strand, the complement: TRPS1 is on the minus strand). VCF-style: chr8-115415001-C-G. GRCh37 (hg19) VCF-style: chr8-116427229-C-G.
Other names: c.2880G>C, p.Glu960Asp (NM_001282902.3); c.2886G>C, p.Glu962Asp (NM_001282903.3); c.2868G>C, p.Glu956Asp (NM_001330599.2); short protein forms E956D, E962D, E969D, E960D.
Identifiers: ClinVar variation 2026539 (VCV002026539.4), dbSNP rs575989503, ClinGen allele CA4851548.
Genomic context (GRCh38, chr8:115,415,001, plus strand): 5'-ATTGACTTGCTCCTCATTGCTGCCCCTCTGCTGTTTGTTGAGCTGCTCAGCCTGAAGTGC[C>G]TCTGGGTTAAGGCGCTTTCTTGTTCTCCTCCTAATAATCTGCTCACCGTTGTTTTGTTTA-3'
Protein context (NP_054831.2, residues 959-979): RRRTRKRLNP[Glu969Asp]ALQAEQLNKQ

ClinVar aggregate classification (germline): Uncertain significance (1 of 4 stars; one submission).

Conditions:
Trichorhinophalangeal dysplasia type I (TRPS1). Also called: TRICHORHINOPHALANGEAL SYNDROME, TYPE I; TRPS I. Identifiers: Orphanet 77258, MedGen C0432233, MONDO:0008596, OMIM 190350.
Trichorhinophalangeal syndrome, type III (TRPS3). Also called: SUGIO-KAJII SYNDROME. Identifiers: Orphanet 77258, MedGen C1860823, OMIM 190351, MONDO:0008597.

Allele frequency attached by ClinVar (database versions not stated): ExAC 0.00001; gnomAD 0.00001; 1000 Genomes Project 30x 0.00016; 1000 Genomes Project 0.00020.
gnomAD v4.1: 8 of 1,577,342 alleles (0.00051%); highest among the groups gnomAD compares: East Asian, 0.016%; no homozygotes.

Submission:

Labcorp Genetics (formerly Invitae), Labcorp
Classification: Uncertain significance for Trichorhinophalangeal syndrome, type III; Trichorhinophalangeal dysplasia type I. Last evaluated: 2022-07-17. Review status: criteria provided, single submitter. Criteria: Invitae Variant Classification Sherloc (09022015). Collection method: clinical testing. Allele origin: germline.
Comment: In summary, the available evidence is currently insufficient to determine the role of this variant in disease. Therefore, it has been classified as a Variant of Uncertain Significance. Algorithms developed to predict the effect of missense changes on protein structure and function (SIFT, PolyPhen-2, Align-GVGD) all suggest that this variant is likely to be disruptive. This variant has not been reported in the literature in individuals affected with TRPS1-related conditions. This variant is present in population databases (rs575989503, gnomAD 0.006%). This sequence change replaces glutamic acid, which is acidic and polar, with aspartic acid, which is acidic and polar, at codon 969 of the TRPS1 protein (p.Glu969Asp).